The following is an entry in ClinVar:

ClinVar aggregate classification (germline): Uncertain significance. Review status: criteria provided, multiple submitters, no conflicts (2 of 4 stars). 2 submissions from 2 submitters: Uncertain significance (2). Last evaluated 2025-01-20.

Conditions:
Hereditary cancer-predisposing syndrome. Also called: Hereditary neoplastic syndrome; Hereditary Cancer Syndrome; Neoplastic Syndromes, Hereditary; Tumor predisposition. Identifiers: Orphanet 140162, MedGen C0027672, MeSH D009386, MONDO:0015356.
Neuroblastoma, susceptibility to, 3. Also called: ALK-Related Neuroblastic Tumor Susceptibility. Identifiers: Orphanet 635, MedGen C2751681, MONDO:0013083, OMIM 613014.

Submissions (2):

Ambry Genetics
Classification: Uncertain significance for Hereditary cancer-predisposing syndrome. Last evaluated: 2025-01-20. Review status: criteria provided, single submitter. Criteria: Ambry Variant Classification Scheme 2023. Collection method: clinical testing. Allele origin: germline.
Comment: The p.T1211I variant (also known as c.3632C>T), located in coding exon 23 of the ALK gene, results from a C to T substitution at nucleotide position 3632. The threonine at codon 1211 is replaced by isoleucine, an amino acid with similar properties. This amino acid position is highly conserved in available vertebrate species. In addition, the in silico prediction for this alteration is inconclusive. Based on the available evidence, the clinical significance of this variant remains unclear.

Labcorp Genetics (formerly Invitae), Labcorp
Classification: Uncertain significance for Neuroblastoma, susceptibility to, 3. Last evaluated: 2023-05-21. Review status: criteria provided, single submitter. Criteria: Invitae Variant Classification Sherloc (09022015). Collection method: clinical testing. Allele origin: germline.
Comment: In summary, the available evidence is currently insufficient to determine the role of this variant in disease. Therefore, it has been classified as a Variant of Uncertain Significance. An algorithm developed to predict the effect of missense changes on protein structure and function (PolyPhen-2) suggests that this variant is likely to be tolerated. This variant has not been reported in the literature in individuals affected with ALK-related conditions. This variant is not present in population databases (gnomAD no frequency). This sequence change replaces threonine, which is neutral and polar, with isoleucine, which is neutral and non-polar, at codon 1211 of the ALK protein (p.Thr1211Ile).

NM_004304.5(ALK):c.3632C>T (p.Thr1211Ile)

Gene: ALK (ALK receptor tyrosine kinase; minus strand). Cytogenetic location: 2p23.2.
Variant type: single nucleotide variant.
Coding change: c.3632C>T on transcript NM_004304.5 (MANE Select); coding-DNA position 3632, C replaced by T.
Protein change: p.Thr1211Ile; replaces threonine 1211 with isoleucine.
Molecular consequence: missense variant.
Genome position (GRCh38, 1-based): chr2:29,220,719, G>A on the plus strand (C>T on the coding strand, the complement: ALK is on the minus strand). VCF-style: chr2-29220719-G-A. GRCh37 (hg19) VCF-style: chr2-29443585-G-A.
Other names: c.3632C>T (NM_004304.4); c.428C>T, p.Thr143Ile (NM_001353765.2); short protein forms T1211I, T143I.
Identifiers: ClinVar variation 2866538 (VCV002866538.4), dbSNP rs2148166323, ClinGen allele CA346472968.
Genomic context (GRCh38, chr2:29,220,719, plus strand): 5'-TCCTGTCCTTGGCACAACAACTGCAGCAAAGACTGGTTCTCACTCACCGGGCGAGGGCGG[G>A]TCTCTCGGAGGAAGGACTTGAGGTCTCCCCCCGCCATGAGCTCCAGCAGGATGAACCGGG-3'
Protein context (NP_004295.2, residues 1201-1221): GGDLKSFLRE[Thr1211Ile]RPRPSQPSSL